The following is an entry in ClinVar:

NM_001127222.2(CACNA1A):c.5663A>G (p.Asn1888Ser)

Gene: CACNA1A (calcium voltage-gated channel subunit alpha1 A; minus strand). Cytogenetic location: 19p13.13.
Variant type: single nucleotide variant.
Coding change: c.5663A>G on transcript NM_001127222.2 (MANE Select); coding-DNA position 5663, A replaced by G.
Protein change: p.Asn1888Ser; replaces asparagine 1888 with serine.
Molecular consequence: missense variant.
Genome position (GRCh38, 1-based): chr19:13,224,735, T>C on the plus strand (A>G on the coding strand, the complement: CACNA1A is on the minus strand). VCF-style: chr19-13224735-T-C. GRCh37 (hg19) VCF-style: chr19-13335549-T-C.
Other names: c.5681A>G, p.Asn1894Ser (NM_000068.4, NM_023035.3); c.5666A>G, p.Asn1889Ser (NM_001127221.2); c.5672A>G, p.Asn1891Ser (NM_001174080.2); short protein forms N1889S, N1891S, N1888S, N1894S.
Identifiers: ClinVar variation 429473 (VCV000429473.2), dbSNP rs756378742, ClinGen allele CA404337121.

ClinVar aggregate classification (germline): Uncertain significance (1 of 4 stars; one submission).

Submission:

GeneDx
Classification: Uncertain significance. Last evaluated: 2017-05-01. Review status: criteria provided, single submitter. Criteria: GeneDx Variant Classification (06012015). Collection method: clinical testing. Allele origin: germline. Affected: yes.
Comment: A variant of uncertain significance has been identified in the CACNA1A gene. The N1889S variant has not been published as a pathogenic variant, nor has it been reported as a benign variant to our knowledge. The N1889S variant is not observed in large population cohorts (Lek et al., 2016; 1000 Genomes Consortium et al., 2015; Exome Variant Server). This substitution occurs at a position that is conserved across species. In silico analysis predicts this variant is probably damaging to the protein structure/function. However, the N1889S variant is a conservative amino acid substitution, which is not likely to impact secondary protein structure as these residues share similar properties. Therefore, based on the currently available information, it is unclear whether this variant is a pathogenic variant or a rare benign variant.